The following is an entry in ClinVar:

ClinVar aggregate classification (germline): Uncertain significance (1 of 4 stars; one submission).

Conditions:
Catecholaminergic polymorphic ventricular tachycardia 5 (CARDAR). Also called: Ventricular tachycardia, catecholaminergic polymorphic, 5, with or without muscle weakness; CARDIAC ARRHYTHMIA SYNDROME, WITH OR WITHOUT SKELETAL MUSCLE WEAKNESS. Identifiers: Orphanet 3286, MedGen C3809536, MONDO:0014191, OMIM 615441.

Allele frequency attached by ClinVar (database versions not stated): gnomAD exomes below 0.00001.
gnomAD v4.1: 1 of 1,597,406 alleles (0.000063%); highest among the groups gnomAD compares: South Asian, 0.0011%; no homozygotes.

Submission:

Victorian Clinical Genetics Services, Murdoch Childrens Research Institute
Classification: Uncertain significance for Catecholaminergic polymorphic ventricular tachycardia 5. Last evaluated: 2022-02-02. Review status: criteria provided, single submitter. Criteria: ACMG Guidelines, 2015. Collection method: clinical testing. Allele origin: germline. Inheritance: Autosomal recessive inheritance. Affected: yes.
Comment: Based on the classification scheme VCGS_Germline_v1.3.4, this variant is classified as VUS-3B. Following criteria are met: 0102 - Loss of function is a known mechanism of disease in this gene and is associated with ventricular tachycardia, catecholaminergic polymorphic, 5, with or without muscle weakness (MIM#615441). (I) 0106 - This gene is associated with autosomal recessive disease. (I) 0200 - Variant is predicted to result in a missense amino acid change from lysine to glutamic acid. (I) 0251 - This variant is heterozygous. (I) 0301 - Variant is absent from gnomAD (both v2 and v3). (SP) 0502 - Missense variant with conflicting in silico predictions and uninformative conservation. (I) 0604 - Variant is not located in an established domain, motif, hotspot or informative constraint region. (I) 0705 - No comparable missense variants have previous evidence for pathogenicity. (I) 0807 - This variant has no previous evidence of pathogenicity. (I) 0905 - No published segregation evidence has been identified for this variant. (I) 1007 - No published functional evidence has been identified for this variant. (I) 1208 - Inheritance information for this variant is not currently available in this individual. (I) Legend: (SP) - Supporting pathogenic, (I) - Information, (SB) - Supporting benign

NM_006073.4(TRDN):c.1048A>G (p.Lys350Glu)

Gene: TRDN (triadin; minus strand). Cytogenetic location: 6q22.31.
Variant type: single nucleotide variant.
Coding change: c.1048A>G on transcript NM_006073.4 (MANE Select); coding-DNA position 1048, A replaced by G.
Protein change: p.Lys350Glu; replaces lysine 350 with glutamic acid.
Molecular consequence: missense variant.
Genome position (GRCh38, 1-based): chr6:123,438,066, T>C on the plus strand (A>G on the coding strand, the complement: TRDN is on the minus strand). VCF-style: chr6-123438066-T-C. GRCh37 (hg19) VCF-style: chr6-123759211-T-C.
Other names: c.1051A>G, p.Lys351Glu (NM_001251987.2); c.991A>G, p.Lys331Glu (NM_001407315.1); short protein forms K331E, K350E, K351E.
Identifiers: ClinVar variation 1805214 (VCV001805214.1), dbSNP rs1198242662, ClinGen allele CA365566047.